The following is an entry in ClinVar:

NM_000038.6(APC):c.3662C>G (p.Pro1221Arg)

Gene: APC (APC regulator of Wnt signaling pathway; plus strand). Cytogenetic location: 5q22.2.
Variant type: single nucleotide variant.
Coding change: c.3662C>G on transcript NM_000038.6 (MANE Select); coding-DNA position 3662, C replaced by G.
Protein change: p.Pro1221Arg; replaces proline 1221 with arginine.
Molecular consequence: missense variant.
Genome position (GRCh38, 1-based): chr5:112,839,256, C>G. VCF-style: chr5-112839256-C-G. GRCh37 (hg19) VCF-style: chr5-112174953-C-G.
Other names: c.3662C>G, p.Pro1221Arg (NM_001127510.3, NM_001354895.2); c.3608C>G, p.Pro1203Arg (NM_001127511.3); c.3716C>G, p.Pro1239Arg (NM_001354896.2); c.3692C>G, p.Pro1231Arg (NM_001354897.2); c.3587C>G, p.Pro1196Arg (NM_001354898.2); c.3578C>G, p.Pro1193Arg (NM_001354899.2); c.3539C>G, p.Pro1180Arg (NM_001354900.2); c.3485C>G, p.Pro1162Arg (NM_001354901.2); and 5 more; short protein forms P1203R, P1221R, P1061R, P1130R, P1196R, P1239R, P1120R, P1180R.
Identifiers: ClinVar variation 567038 (VCV000567038.8), dbSNP rs771339661, ClinGen allele CA036213.

ClinVar aggregate classification (germline): Uncertain significance (1 of 4 stars; one submission).

Conditions:
Familial adenomatous polyposis 1 (FAP1). Also called: FAMILIAL ADENOMATOUS POLYPOSIS 1, ATTENUATED; POLYPOSIS, ADENOMATOUS INTESTINAL. Identifiers: MedGen C2713442, MONDO:0021056, OMIM 175100. Disease mechanism: loss of function.

Allele frequency attached by ClinVar (database versions not stated): gnomAD exomes below 0.00001; ExAC 0.00001.
gnomAD v4.1: 1 of 1,614,128 alleles (0.000062%); highest among the groups gnomAD compares: Non-Finnish European, 0.000085%; no homozygotes.

Submission:

Labcorp Genetics (formerly Invitae), Labcorp
Classification: Uncertain significance for Familial adenomatous polyposis 1. Last evaluated: 2023-09-11. Review status: criteria provided, single submitter. Criteria: Invitae Variant Classification Sherloc (09022015). Collection method: clinical testing. Allele origin: germline.
Comment: In summary, the available evidence is currently insufficient to determine the role of this variant in disease. Therefore, it has been classified as a Variant of Uncertain Significance. Advanced modeling of protein sequence and biophysical properties (such as structural, functional, and spatial information, amino acid conservation, physicochemical variation, residue mobility, and thermodynamic stability) performed at Invitae indicates that this missense variant is not expected to disrupt APC protein function. ClinVar contains an entry for this variant (Variation ID: 567038). This variant has not been reported in the literature in individuals affected with APC-related conditions. This variant is present in population databases (rs771339661, gnomAD 0.0009%). This sequence change replaces proline, which is neutral and non-polar, with arginine, which is basic and polar, at codon 1221 of the APC protein (p.Pro1221Arg).